The following is an entry in ClinVar:

ClinVar aggregate classification (germline): Benign. Review status: criteria provided, multiple submitters, no conflicts (2 of 4 stars). 6 submissions from 6 submitters: Benign (6). Last evaluated 2026-02-04.

Conditions:
Lethal osteosclerotic bone dysplasia (RNS). Also called: Osteomalacia, sclerosing, with cerebral calcification. Identifiers: Orphanet 1832, MedGen C1850106, MONDO:0009821, OMIM 259775.

Allele frequency attached by ClinVar (database versions not stated): ESP Exome Variant Server 0.50679; TOPMed 0.50762; 1000 Genomes Project 30x 0.52342; 1000 Genomes Project 0.52536.
gnomAD v4.1: 702,721 of 1,534,002 alleles (46%); highest among the groups gnomAD compares: African/African-American, 67%; 164,582 homozygotes.

Submissions (6):

Labcorp Genetics (formerly Invitae), Labcorp
Classification: Benign. Last evaluated: 2026-02-04. Review status: criteria provided, single submitter. Criteria: Invitae Variant Classification Sherloc (09022015). Collection method: clinical testing. Allele origin: germline.

Blueprint Genetics
Classification: Benign. Last evaluated: 2024-11-27. Review status: criteria provided, single submitter. Criteria: ACMG Guidelines, 2015. Collection method: clinical testing. Allele origin: germline.

Genome-Nilou Lab
Classification: Benign for Lethal osteosclerotic bone dysplasia. Last evaluated: 2021-07-14. Review status: criteria provided, single submitter. Criteria: ACMG Guidelines, 2015. Collection method: clinical testing. Allele origin: germline. Affected: no.

GeneDx
Classification: Benign. Last evaluated: 2018-11-11. Review status: criteria provided, single submitter. Criteria: GeneDx Variant Classification Process June 2021. Collection method: clinical testing. Allele origin: germline. Affected: yes.

Laboratory for Molecular Medicine, Mass General Brigham Personalized Medicine
Classification: Benign. Last evaluated: 2016-03-21. Review status: criteria provided, single submitter. Criteria: LMM Criteria. Collection method: clinical testing. Allele origin: germline. Observed: 1 variant allele.
Comment: p.Asn564Asp in exon 10 of FAM20C: This variant is not expected to have clinical significance because it has been identified in 72.54% (959/1322) of African chro mosomes by the 1000 Genomes Project (Phase 3; dbSNP rs36139924).

Eurofins Ntd Llc (ga)
Classification: Benign. Last evaluated: 2014-10-20. Review status: criteria provided, single submitter. Criteria: EGL Classification Definitions 2015. Collection method: clinical testing. Allele origin: germline. Observed: 1 variant allele, 1 heterozygote.

NM_020223.4(FAM20C):c.1690A>G (p.Asn564Asp)

Gene: FAM20C (FAM20C golgi associated secretory pathway kinase; plus strand). Cytogenetic location: 7p22.3.
Variant type: single nucleotide variant.
Coding change: c.1690A>G on transcript NM_020223.4 (MANE Select); coding-DNA position 1690, A replaced by G.
Protein change: p.Asn564Asp; replaces asparagine 564 with aspartic acid.
Molecular consequence: missense variant.
Genome position (GRCh38, 1-based): chr7:259,915, A>G. VCF-style: chr7-259915-A-G. GRCh37 (hg19) VCF-style: chr7-299881-A-G.
Other names: short protein forms N564D.
Identifiers: ClinVar variation 193731 (VCV000193731.21), dbSNP rs36139924, ClinGen allele CA200756.
Genomic context (GRCh38, chr7:259,915, plus strand): 5'-GAGGCCCTGGACCGGCGGCTCCGCGTCGTGCTAAAGGCCGTCCGGGACTGCGTGGAGAGG[A>G]ACGGGCTCCACAGCGTGGTGGATGACGACCTGGACACTGAGCACAGAGCCGCCTCGGCGA-3'
Protein context (NP_064608.2, residues 554-574): LKAVRDCVER[Asn564Asp]GLHSVVDDDL